The following is an entry in ClinVar:

ClinVar aggregate classification (germline): Uncertain significance (1 of 4 stars; one submission).

Conditions:
Hereditary cancer-predisposing syndrome. Also called: Neoplastic Syndromes, Hereditary; Tumor predisposition; Hereditary Cancer Syndrome; Hereditary neoplastic syndrome. Identifiers: Orphanet 140162, MedGen C0027672, MeSH D009386, MONDO:0015356.

Submission:

Labcorp Genetics (formerly Invitae), Labcorp
Classification: Uncertain significance for Hereditary cancer-predisposing syndrome. Last evaluated: 2020-01-01. Review status: criteria provided, single submitter. Criteria: Invitae Variant Classification Sherloc (09022015). Collection method: clinical testing. Allele origin: germline.
Comment: In summary, the available evidence is currently insufficient to determine the role of this variant in disease. Therefore, it has been classified as a Variant of Uncertain Significance. Algorithms developed to predict the effect of missense changes on protein structure and function are either unavailable or do not agree on the potential impact of this missense change (SIFT: "Tolerated"; PolyPhen-2: "Possibly Damaging"; Align-GVGD: "Class C0"). This variant has not been reported in the literature in individuals with RAD50-related conditions. This variant is not present in population databases (ExAC no frequency). This sequence change replaces arginine with serine at codon 1288 of the RAD50 protein (p.Arg1288Ser). The arginine residue is moderately conserved and there is a moderate physicochemical difference between arginine and serine.

NM_005732.4(RAD50):c.3864G>C (p.Arg1288Ser)

Genes: TH2LCRR (T helper type 2 locus control region associated RNA; minus strand), RAD50 (RAD50 double strand break repair protein; plus strand). Cytogenetic location: 5q31.1.
Variant type: single nucleotide variant.
Coding change: c.3864G>C on transcript NM_005732.4 (MANE Select); coding-DNA position 3864, G replaced by C.
Protein change: p.Arg1288Ser; replaces arginine 1288 with serine.
Molecular consequence: missense variant.
Genome position (GRCh38, 1-based): chr5:132,642,289, G>C. VCF-style: chr5-132642289-G-C. GRCh37 (hg19) VCF-style: chr5-131977981-G-C.
Other names: short protein forms R1288S.
Identifiers: ClinVar variation 1026457 (VCV001026457.9), dbSNP rs775802277, ClinGen allele CA360937010.